The following is an entry in ClinVar:

ClinVar aggregate classification (germline): Likely benign. Review status: criteria provided, single submitter (1 of 4 stars). 2 submissions from 2 submitters: Likely benign (1). 1 of the submissions does not count toward it. Last evaluated 2025-12-21.

Conditions:
AP3B2-related disorder. Also called: AP3B2-related condition.

Allele frequency attached by ClinVar (database versions not stated): ExAC 0.00002; gnomAD 0.00002; gnomAD exomes 0.00002 and 0.00003; TOPMed 0.00003.
gnomAD v4.1: 27 of 1,613,646 alleles (0.0017%); highest among the groups gnomAD compares: South Asian, 0.0044%; no homozygotes.

Submissions (2):

Labcorp Genetics (formerly Invitae), Labcorp
Classification: Likely benign. Last evaluated: 2025-12-21. Review status: criteria provided, single submitter. Criteria: Invitae Variant Classification Sherloc (09022015). Collection method: clinical testing. Allele origin: germline.

PreventionGenetics, part of Exact Sciences
Classification: Likely benign for AP3B2-related condition. Last evaluated: 2023-10-09. Review status: no assertion criteria provided. Collection method: clinical testing. Allele origin: germline. Not counted in ClinVar's aggregate classification.
Comment: This variant is classified as likely benign based on ACMG/AMP sequence variant interpretation guidelines (Richards et al. 2015 PMID: 25741868, with internal and published modifications).

NM_001278512.2(AP3B2):c.2211C>T (p.Ser737=)

Genes: AP3B2 (adaptor related protein complex 3 subunit beta 2; minus strand), CPEB1-AS1 (CPEB1 antisense RNA 1; plus strand). Cytogenetic location: 15q25.2.
Variant type: single nucleotide variant.
Coding change: c.2211C>T on transcript NM_001278512.2 (MANE Select); coding-DNA position 2211, C replaced by T.
Protein change: p.Ser737=; no amino-acid change (serine 737 retained).
Molecular consequence: synonymous variant.
Genome position (GRCh38, 1-based): chr15:82,664,417, G>A on the plus strand (C>T on the coding strand, the complement: AP3B2 is on the minus strand). VCF-style: chr15-82664417-G-A. GRCh37 (hg19) VCF-style: chr15-83333169-G-A.
Other names: c.2154C>T (NM_004644.4); c.2058C>T, p.Ser686= (NM_001278511.2); c.2154C>T, p.Ser718= (NM_004644.5).
Identifiers: ClinVar variation 1580774 (VCV001580774.10), dbSNP rs777749271, ClinGen allele CA7699986.